The following is an entry in ClinVar:

NM_017534.6(MYH2):c.205-3C>T

Genes: MYH2 (myosin heavy chain 2; minus strand), MYHAS (myosin heavy chain gene cluster antisense RNA; plus strand). Cytogenetic location: 17p13.1.
Variant type: single nucleotide variant.
Coding change: c.205-3C>T on transcript NM_017534.6 (MANE Select); 3 bases into the intron before coding-DNA position 205, C replaced by T.
Molecular consequence: intron variant.
Genome position (GRCh38, 1-based): chr17:10,547,621, G>A on the plus strand (C>T on the coding strand, the complement: MYH2 is on the minus strand). VCF-style: chr17-10547621-G-A. GRCh37 (hg19) VCF-style: chr17-10450938-G-A.
Other names: c.205-3C>T (NM_001100112.2).
Identifiers: ClinVar variation 321698 (VCV000321698.10), dbSNP rs371123671, ClinGen allele CA8391694.

ClinVar aggregate classification (germline): Uncertain significance (1 of 4 stars; one submission).

Conditions:
Myopathy, proximal, and ophthalmoplegia (CMYO6). Also called: MYOPATHY WITH CONGENITAL JOINT CONTRACTURES, OPHTHALMOPLEGIA, AND RIMMED VACUOLES; INCLUSION BODY MYOPATHY 3, AUTOSOMAL DOMINANT; CONGENITAL MYOPATHY 6 WITH OPHTHALMOPLEGIA. Identifiers: Orphanet 363677, Orphanet 79091, MedGen C1854106, MONDO:0011577, OMIM 605637.

Allele frequency attached by ClinVar (database versions not stated): gnomAD exomes 0.00001 and 0.00002; ExAC 0.00002; ESP Exome Variant Server 0.00008; gnomAD 0.00008; TOPMed 0.00008; 1000 Genomes Project 0.00020; 1000 Genomes Project 30x 0.00031.
gnomAD v4.1: 30 of 1,614,106 alleles (0.0019%); highest among the groups gnomAD compares: African/African-American, 0.028%; no homozygotes.

Submission:

Labcorp Genetics (formerly Invitae), Labcorp
Classification: Uncertain significance for Myopathy, proximal, and ophthalmoplegia. Last evaluated: 2022-08-09. Review status: criteria provided, single submitter. Criteria: Invitae Variant Classification Sherloc (09022015). Collection method: clinical testing. Allele origin: germline.
Comment: In summary, the available evidence is currently insufficient to determine the role of this variant in disease. Therefore, it has been classified as a Variant of Uncertain Significance. Variants that disrupt the consensus splice site are a relatively common cause of aberrant splicing (PMID: 17576681, 9536098). Algorithms developed to predict the effect of sequence changes on RNA splicing suggest that this variant is not likely to affect RNA splicing. ClinVar contains an entry for this variant (Variation ID: 321698). This variant has not been reported in the literature in individuals affected with MYH2-related conditions. This variant is present in population databases (rs371123671, gnomAD 0.02%). This sequence change falls in intron 3 of the MYH2 gene. It does not directly change the encoded amino acid sequence of the MYH2 protein. It affects a nucleotide within the consensus splice site.

Literature cited by the submitters: PubMed 17576681; PubMed 9536098.